The following is an entry in ClinVar:

ClinVar aggregate classification (germline): Likely benign (1 of 4 stars; one submission).

Submission:

CeGaT Center for Human Genetics Tuebingen
Classification: Likely benign. Last evaluated: 2026-02-01. Review status: criteria provided, single submitter. Criteria: CeGaT Center For Human Genetics Tuebingen Variant Classification Criteria Version 2. Collection method: clinical testing. Allele origin: germline. Affected: yes. Observed: 1 variant allele.
Comment: CTU2: PM2:Supporting, BP4, BP7

NM_001012759.3(CTU2):c.678C>T (p.Ser226=)

Gene: CTU2 (cytosolic thiouridylase subunit 2; plus strand). Cytogenetic location: 16q24.3.
Variant type: single nucleotide variant.
Coding change: c.678C>T on transcript NM_001012759.3 (MANE Select); coding-DNA position 678, C replaced by T.
Protein change: p.Ser226=; no amino-acid change (serine 226 retained).
Molecular consequence: synonymous variant.
Genome position (GRCh38, 1-based): chr16:88,712,846, C>T. VCF-style: chr16-88712846-C-T. GRCh37 (hg19) VCF-style: chr16-88779254-C-T.
Other names: c.678C>T, p.Ser226= (NM_001012762.3); c.891C>T, p.Ser297= (NM_001318507.2); c.417C>T, p.Ser139= (NM_001318513.2).
Identifiers: ClinVar variation 4823243 (VCV004823243.4).